The following is an entry in ClinVar:

ClinVar aggregate classification (germline): Likely benign (0 of 4 stars; one submission).

Conditions:
RYR1-related disorder. Also called: RYR1-related condition; RYR1-related disorders. Identifiers: MedGen CN239331.

Allele frequency attached by ClinVar (database versions not stated): gnomAD exomes below 0.00001.
gnomAD v4.1: 6 of 1,422,600 alleles (0.00042%); highest among the groups gnomAD compares: African/African-American, 0.0014%; no homozygotes.

Submission:

PreventionGenetics, part of Exact Sciences
Classification: Likely benign for RYR1-related condition. Last evaluated: 2021-08-04. Review status: no assertion criteria provided. Collection method: clinical testing. Allele origin: germline.
Comment: This variant is classified as likely benign based on ACMG/AMP sequence variant interpretation guidelines (Richards et al. 2015 PMID: 25741868, with internal and published modifications).

NM_000540.3(RYR1):c.7445-5T>G

Gene: RYR1 (ryanodine receptor 1; plus strand). Cytogenetic location: 19q13.2.
Variant type: single nucleotide variant.
Coding change: c.7445-5T>G on transcript NM_000540.3 (MANE Select); 5 bases into the intron before coding-DNA position 7445, T replaced by G.
Molecular consequence: intron variant.
Genome position (GRCh38, 1-based): chr19:38,500,816, T>G. VCF-style: chr19-38500816-T-G. GRCh37 (hg19) VCF-style: chr19-38991456-T-G.
Other names: c.7445-5T>G (NM_001042723.2).
Identifiers: ClinVar variation 3057754 (VCV003057754.2), dbSNP rs1970079830, ClinGen allele CA2584900553.